The following is an entry in ClinVar:

ClinVar aggregate classification (germline): Pathogenic. Review status: criteria provided, multiple submitters, no conflicts (2 of 4 stars). 12 submissions from 11 submitters: Pathogenic (10). 2 of the submissions do not count toward it. Last evaluated 2026-05-18.

Conditions:
SLC26A4-related disorder. Also called: SLC26A4-related condition; SLC26A4-related disorders.
Pendred syndrome (PDS). Also called: Pendred's syndrome; THYROID DYSHORMONOGENESIS 2B; THYROID HORMONOGENESIS, GENETIC DEFECT IN, 2B; Pendred Syndrome (PDS); DEAFNESS WITH GOITER; GOITER-DEAFNESS SYNDROME. Identifiers: Orphanet 705, MedGen C0271829, MONDO:0010134, OMIM 274600.
Autosomal recessive nonsyndromic hearing loss 4 (DFNB4). Also called: FOXI1-Related Pendred Syndrome; KCNJ10-Related Pendred Syndrome; DEAFNESS, AUTOSOMAL RECESSIVE 4, WITH ENLARGED VESTIBULAR AQUEDUCT, DIGENIC; NEUROSENSORY NONSYNDROMIC RECESSIVE DEAFNESS 4; Deafness, autosomal recessive 4; Enlarged vestibular aqueduct, digenic. Identifiers: Orphanet 90636, MedGen C3538946, MONDO:0010933, OMIM 600791.

Allele frequency attached by ClinVar (database versions not stated): gnomAD exomes below 0.00001 and 0.00001; ExAC 0.00002.
gnomAD v4.1: 4 of 1,289,272 alleles (0.00031%); highest among the groups gnomAD compares: East Asian, 0.0069%; no homozygotes.

Submissions (12):

Women's Health and Genetics/Laboratory Corporation of America, LabCorp
Classification: Pathogenic for Pendred syndrome. Last evaluated: 2026-05-18. Review status: criteria provided, single submitter. Criteria: LabCorp Variant Classification Summary - May 2015. Collection method: clinical testing. Allele origin: germline.
Comment: Variant summary: SLC26A4 c.2086C>T (p.Gln696X) results in a premature termination codon, predicted to cause a truncation of the encoded protein or absence of the protein due to nonsense mediated decay, which are commonly known mechanisms for disease. The variant allele was found at a frequency of 1.3e-05 in 223536 control chromosomes. c.2086C>T has been observed in individuals affected with SLC26A4-related conditions (example: Jiang_2015). These data indicate that the variant is associated with disease. To our knowledge, no experimental evidence demonstrating an impact on protein function has been reported. The following publication has been ascertained in the context of this evaluation (PMID: 26252218). ClinVar contains an entry for this variant (Variation ID: 189164). Based on the evidence outlined above, the variant was classified as pathogenic.

Department of Otolaryngology Head and Neck Surgery, Hainan Hospital of the Chinese People’s Liberation Army General Hospital
Classification: Pathogenic for Autosomal recessive nonsyndromic hearing loss 4. Last evaluated: 2026-02-01. Review status: criteria provided, single submitter. Criteria: ACMG Guidelines, 2015. Collection method: clinical testing. Allele origin: germline. Affected: no. Observed: 5 variant alleles.
Comment: The SLC26A4 c.2086C>T (p.Gln696Ter) variant is a nonsense mutation classified as Pathogenic for autosomal recessive hearing loss associated with enlarged vestibular aqueduct, including Pendred syndrome and DFNB4(Accession: VCV000189164.20). It has been identified in Chinese deaf populations with an allele frequency of 0.65% (Jiang 2015). This variant creates a premature translational stop signal, expected to result in an absent or disrupted protein product, and loss-of-function variants in SLC26A4 are known to be pathogenic (Hutchin 2005, Soh 2015, Jiang 2015). Population databases show extremely low frequency (gnomAD 0.00001), supporting PM2. In our cohort, heterozygous carriers are asymptomatic, consistent with autosomal recessive inheritance.

Natera, Inc.
Classification: Pathogenic for Pendred syndrome. Last evaluated: 2025-04-23. Review status: criteria provided, single submitter. Criteria: Natera Variant Classification Schema (03/2026). Collection method: clinical testing. Allele origin: germline.
Comment: The c.2086C>T variant in SLC26A4 is a nonsense variant predicted to introduce a stop codon at amino acid 696. This variant is expected to result in nonsense mediated decay, truncation, or a dysfunctional protein product. This variant is rare in the general population with a frequency below the threshold expected for the associated phenotype(s). This variant has been observed in one or more individuals affected with the associated recessive disease, as either homozygous or compound heterozygous with a second variant (PMID: 24612839). Given the available evidence, this variant is classified as Pathogenic.

Blueprint Genetics
Classification: Pathogenic for SLC26A4-related disorders. Last evaluated: 2024-10-24. Review status: criteria provided, single submitter. Criteria: ACMG Guidelines, 2015. Collection method: clinical testing. Allele origin: germline. Affected: yes. Observed: 4 variant alleles.

Fulgent Genetics
Classification: Pathogenic for Pendred syndrome; Autosomal recessive nonsyndromic hearing loss 4. Last evaluated: 2024-04-15. Review status: criteria provided, single submitter. Criteria: ACMG Guidelines, 2015. Collection method: clinical testing. Allele origin: germline.

Baylor Genetics
Classification: Pathogenic for Autosomal recessive nonsyndromic hearing loss 4. Last evaluated: 2024-03-24. Review status: criteria provided, single submitter. Criteria: ACMG Guidelines, 2015. Collection method: clinical testing. Allele origin: unknown.

Labcorp Genetics (formerly Invitae), Labcorp
Classification: Pathogenic. Last evaluated: 2023-10-13. Review status: criteria provided, single submitter. Criteria: Invitae Variant Classification Sherloc (09022015). Collection method: clinical testing. Allele origin: germline.
Comment: This sequence change creates a premature translational stop signal (p.Gln696*) in the SLC26A4 gene. It is expected to result in an absent or disrupted protein product. Loss-of-function variants in SLC26A4 are known to be pathogenic (PMID: 16283880, 25394566, 26252218, 26445815). This variant is present in population databases (rs752807925, gnomAD 0.02%). This premature translational stop signal has been observed in individuals with SLC26A4-related conditions (PMID: 21961810, 22289209, 26252218). ClinVar contains an entry for this variant (Variation ID: 189164). For these reasons, this variant has been classified as Pathogenic.

GeneDx
Classification: Pathogenic. Last evaluated: 2022-01-17. Review status: criteria provided, single submitter. Criteria: GeneDx Variant Classification Process June 2021. Collection method: clinical testing. Allele origin: germline. Affected: yes.
Comment: Nonsense variant predicted to result in protein truncation or nonsense mediated decay in a gene for which loss-of-function is a known mechanism of disease; This variant is associated with the following publications: (PMID: 21961810, 24913939, 26252218, 30842343, 30275481, 31541171, 24612839, 22289209, 23918157)

Genome-Nilou Lab
Classification: Pathogenic for Autosomal recessive nonsyndromic hearing loss 4. Last evaluated: 2021-09-05. Review status: criteria provided, single submitter. Criteria: ACMG Guidelines, 2015. Collection method: clinical testing. Allele origin: germline. Affected: no.

Genome-Nilou Lab
Classification: Pathogenic for Pendred syndrome. Last evaluated: 2021-09-05. Review status: criteria provided, single submitter. Criteria: ACMG Guidelines, 2015. Collection method: clinical testing. Allele origin: germline. Affected: no.

Genetic Testing Center for Deafness, Department of Otolaryngology Head & Neck Surgery, Institute of Otolaryngology, Chinese PLA General Hospital
Classification: Pathogenic for Autosomal recessive nonsyndromic hearing loss 4. Last evaluated: 2019-02-26. Review status: no assertion criteria provided. Collection method: case-control. Allele origin: inherited. Affected: yes. Observed: 6 variant alleles. Clinical features observed: hearing loss. Not counted in ClinVar's aggregate classification.

Counsyl
Classification: Likely pathogenic for Pendred's syndrome. Last evaluated: 2015-01-29. Review status: no assertion criteria provided. Collection method: literature only. Allele origin: unknown. Inheritance: Autosomal recessive inheritance. Not counted in ClinVar's aggregate classification.

Literature cited by the submitters: PubMed 26252218 (cited by 3 submitters); PubMed 16283880 (cited by Department of Otolaryngology Head and Neck Surgery, Hainan Hospital of the Chinese People’s Liberation Army General Hospital and Labcorp Genetics (formerly Invitae), Labcorp); PubMed 25394566 (cited by Department of Otolaryngology Head and Neck Surgery, Hainan Hospital of the Chinese People’s Liberation Army General Hospital and Labcorp Genetics (formerly Invitae), Labcorp); PubMed 24612839 (cited by Natera, Inc. and Counsyl); PubMed 26445815 (cited by Labcorp Genetics (formerly Invitae), Labcorp); PubMed 21961810 (cited by Labcorp Genetics (formerly Invitae), Labcorp and Counsyl); PubMed 22289209 (cited by Labcorp Genetics (formerly Invitae), Labcorp and Counsyl); PubMed 23918157 (cited by Counsyl); PubMed 24913939 (cited by Counsyl).

NM_000441.2(SLC26A4):c.2086C>T (p.Gln696Ter)

Gene: SLC26A4 (solute carrier family 26 member 4; plus strand). Cytogenetic location: 7q22.3.
Variant type: single nucleotide variant.
Coding change: c.2086C>T on transcript NM_000441.2 (MANE Select); coding-DNA position 2086, C replaced by T.
Protein change: p.Gln696Ter; replaces glutamine 696 with a stop codon.
Molecular consequence: nonsense.
Genome position (GRCh38, 1-based): chr7:107,704,382, C>T. VCF-style: chr7-107704382-C-T. GRCh37 (hg19) VCF-style: chr7-107344827-C-T.
Other names: short protein forms Q696*.
Identifiers: ClinVar variation 189164 (VCV000189164.24), dbSNP rs752807925, ClinGen allele CA274444.
Genomic context (GRCh38, chr7:107,704,382, plus strand): 5'-TATTTTTAGATTGTCAAAGAATTCCAAAGAATTGATGTGAATGTGTATTTTGCATCACTT[C>T]AAGGTAAATACATATATCTACATATCTACCTGTAAGACTTTCCCGTAAGCCCTTTCTCCT-3'